The following is an entry in ClinVar:

NM_001276345.2(TNNT2):c.498G>T (p.Arg166Ser)

Gene: TNNT2 (troponin T2, cardiac type; minus strand). Cytogenetic location: 1q32.1.
Variant type: single nucleotide variant.
Coding change: c.498G>T on transcript NM_001276345.2 (MANE Select); coding-DNA position 498, G replaced by T.
Protein change: p.Arg166Ser; replaces arginine 166 with serine.
Molecular consequence: missense variant.
Genome position (GRCh38, 1-based): chr1:201,363,398, C>A on the plus strand (G>T on the coding strand, the complement: TNNT2 is on the minus strand). VCF-style: chr1-201363398-C-A. GRCh37 (hg19) VCF-style: chr1-201332526-C-A.
Other names: c.498G>T, p.Arg166Ser (NM_000364.4, NM_001406723.1); c.468G>T, p.Arg156Ser (NM_001001430.3, NM_001001431.3, NM_001276347.2 and 3 more transcripts); c.453G>T, p.Arg151Ser (NM_001001432.3, NM_001406728.1); c.378G>T, p.Arg126Ser (NM_001276346.2); c.465G>T, p.Arg155Ser (NM_001406725.1); short protein forms R126S, R151S, R155S, R156S, R166S.
Identifiers: ClinVar variation 2499363 (VCV002499363.1), dbSNP rs750399630, ClinGen allele CA344204659.

ClinVar aggregate classification (germline): Uncertain significance (1 of 4 stars; one submission).

Submission:

GeneDx
Classification: Uncertain significance. Last evaluated: 2022-10-13. Review status: criteria provided, single submitter. Criteria: GeneDx Variant Classification Process June 2021. Collection method: clinical testing. Allele origin: germline. Affected: yes.
Comment: Has not been previously published as pathogenic or benign to our knowledge; Not observed at significant frequency in large population cohorts (gnomAD); In silico analysis supports that this missense variant has a deleterious effect on protein structure/function